The following is an entry in ClinVar:

NM_002439.5(MSH3):c.2262A>G (p.Ile754Met)

Gene: MSH3 (mutS homolog 3; plus strand). Cytogenetic location: 5q14.1.
Variant type: single nucleotide variant.
Coding change: c.2262A>G on transcript NM_002439.5 (MANE Select); coding-DNA position 2262, A replaced by G.
Protein change: p.Ile754Met; replaces isoleucine 754 with methionine.
Molecular consequence: missense variant.
Genome position (GRCh38, 1-based): chr5:80,775,702, A>G. VCF-style: chr5-80775702-A-G. GRCh37 (hg19) VCF-style: chr5-80071521-A-G.
Other names: short protein forms I754M.
Identifiers: ClinVar variation 658298 (VCV000658298.62), dbSNP rs200819607, ClinGen allele CA3328185.
Genomic context (GRCh38, chr5:80,775,702, plus strand): 5'-AAATATATAATGGTTACTTATCTAAATCTCTGTTTATTTGTATTTGTTTTAGTTTATGAT[A>G]GAAATAAAGAACTCTGCTGTATCTTGTATACCAACTGATTGGGTAAAGGTTGGAAGGTAG-3'
Protein context (NP_002430.3, residues 744-764): YVTVSGQEFM[Ile754Met]EIKNSAVSCI

ClinVar aggregate classification (germline): Conflicting classifications of pathogenicity. Review status: criteria provided, conflicting classifications (1 of 4 stars). 10 submissions from 10 submitters: Uncertain significance (8); Likely benign (2). Last evaluated 2026-01-28.

Conditions:
Endometrial carcinoma. Also called: Endometrial carcinoma, somatic. Identifiers: MedGen C0476089, MONDO:0002447, OMIM 608089, HP:0012114.
Hereditary cancer-predisposing syndrome. Also called: Neoplastic Syndromes, Hereditary; Hereditary Cancer Syndrome; Tumor predisposition; Hereditary neoplastic syndrome. Identifiers: Orphanet 140162, MedGen C0027672, MeSH D009386, MONDO:0015356.
MSH3-related disorder. Also called: MSH3-related condition.
Familial adenomatous polyposis 4 (FAP4). Also called: MSH3-related attenuated familial adenomatous polyposis. Identifiers: Orphanet 480536, MedGen C4310719, MONDO:0044300, OMIM 617100.

Allele frequency attached by ClinVar (database versions not stated): gnomAD 0.00025 and 0.00028; gnomAD exomes 0.00025 and 0.00037; ExAC 0.00058; TOPMed 0.00014; ESP Exome Variant Server 0.00015.
gnomAD v4.1: 386 of 1,541,862 alleles (0.025%); highest among the groups gnomAD compares: Non-Finnish European, 0.026%; no homozygotes.

Submissions (10):

Labcorp Genetics (formerly Invitae), Labcorp
Classification: Uncertain significance. Last evaluated: 2026-01-28. Review status: criteria provided, single submitter. Criteria: Invitae Variant Classification Sherloc (09022015). Collection method: clinical testing. Allele origin: germline.
Comment: This sequence change replaces isoleucine, which is neutral and non-polar, with methionine, which is neutral and non-polar, at codon 754 of the MSH3 protein (p.Ile754Met). This variant is present in population databases (rs200819607, gnomAD 0.1%). This variant has not been reported in the literature in individuals affected with MSH3-related conditions. ClinVar contains an entry for this variant (Variation ID: 658298). An algorithm developed to predict the effect of missense changes on protein structure and function (PolyPhen-2) suggests that this variant is likely to be disruptive. In summary, the available evidence is currently insufficient to determine the role of this variant in disease. Therefore, it has been classified as a Variant of Uncertain Significance.

Center for Genomic Medicine, Rigshospitalet, Copenhagen University Hospital
Classification: Uncertain significance. Last evaluated: 2025-12-29. Review status: criteria provided, single submitter. Criteria: ACMG Guidelines, 2015. Collection method: clinical testing. Allele origin: germline.

PreventionGenetics, part of Exact Sciences
Classification: Uncertain significance for MSH3-related condition. Last evaluated: 2025-11-08. Review status: criteria provided, single submitter. Criteria: ACMG Guidelines, 2015. Collection method: clinical testing. Allele origin: germline.
Comment: The MSH3 c.2262A>G variant is predicted to result in the amino acid substitution p.Ile754Met. This variant has been detected with other variants of uncertain significance in the primary tumor of a patient with familial chordoma (Sumransub et al. 2021. PubMed ID: 34465320). This variant is reported in 0.13% of alleles in individuals of European (Finnish) descent in gnomAD and has conflicting interpretations regarding its pathogenicity in ClinVar, ranging from likely benign to uncertain (Variation ID: 658298). At this time, the clinical significance of this variant is uncertain due to the absence of conclusive functional and genetic evidence.

Ambry Genetics
Classification: Uncertain significance for Hereditary cancer-predisposing syndrome. Last evaluated: 2025-01-02. Review status: criteria provided, single submitter. Criteria: Ambry Variant Classification Scheme 2023. Collection method: clinical testing. Allele origin: germline.
Comment: The p.I754M variant (also known as c.2262A>G), located in coding exon 16 of the MSH3 gene, results from an A to G substitution at nucleotide position 2262. The isoleucine at codon 754 is replaced by methionine, an amino acid with highly similar properties. This amino acid position is highly conserved in available vertebrate species. In addition, the in silico prediction for this alteration is inconclusive. Based on the available evidence, the clinical significance of this variant remains unclear.

GeneDx
Classification: Uncertain significance. Last evaluated: 2024-11-22. Review status: criteria provided, single submitter. Criteria: GeneDx Variant Classification Process June 2021. Collection method: clinical testing. Allele origin: germline. Affected: yes.
Comment: In silico analysis supports that this missense variant has a deleterious effect on protein structure/function; This variant is associated with the following publications: (PMID: 34465320, 37453563)

Fulgent Genetics
Classification: Uncertain significance for Endometrial carcinoma; Familial adenomatous polyposis 4. Last evaluated: 2024-04-16. Review status: criteria provided, single submitter. Criteria: ACMG Guidelines, 2015. Collection method: clinical testing. Allele origin: germline.

Baylor Genetics
Classification: Uncertain significance for Endometrial carcinoma. Last evaluated: 2024-03-15. Review status: criteria provided, single submitter. Criteria: ACMG Guidelines, 2015. Collection method: clinical testing. Allele origin: unknown.

Quest Diagnostics Nichols Institute San Juan Capistrano
Classification: Likely benign. Last evaluated: 2023-07-19. Review status: criteria provided, single submitter. Criteria: Quest Diagnostics criteria. Collection method: clinical testing. Allele origin: unknown.

CeGaT Center for Human Genetics Tuebingen
Classification: Likely benign. Last evaluated: 2022-07-01. Review status: criteria provided, single submitter. Criteria: CeGaT Center For Human Genetics Tuebingen Variant Classification Criteria Version 2. Collection method: clinical testing. Allele origin: germline. Affected: yes. Observed: 1 variant allele.
Comment: MSH3: BP1

Genetic Services Laboratory, University of Chicago
Classification: Uncertain significance. Last evaluated: 2021-07-12. Review status: criteria provided, single submitter. Criteria: ACMG Guidelines, 2015. Collection method: clinical testing. Allele origin: germline. Affected: no.
Comment: DNA sequence analysis of the MSH3 gene demonstrated a sequence change, c.2262A>G, in exon 16 that results in an amino acid change, p.Ile754Met. This sequence change has been described in the gnomAD database with a frequency of 0.13% in the Finnish European subpopulation (dbSNP rs200819607). The p.Ile754Met change affects a moderately conserved amino acid residue located in a domain of the MSH3 protein that is known to be functional. In-silico pathogenicity prediction tools (SIFT, PolyPhen2, Align GVGD, REVEL) provide contradictory results for the p.Ile754Met substitution. This sequence change does not appear to have been previously described in individuals with MSH3-related disorders. Due to insufficient evidences and the lack of functional studies, the clinical significance of the p.Ile754Met change remains unknown at this time.